The following is an entry in ClinVar:

ClinVar aggregate classification (germline): Benign/Likely benign. Review status: criteria provided, multiple submitters, no conflicts (2 of 4 stars). 5 submissions from 5 submitters: Benign (1); Likely benign (3). 1 of the submissions does not count toward it. Last evaluated 2026-02-01.

Conditions:
ANKRD1-related dilated cardiomyopathy. Identifiers: MedGen CN119551.
ANKRD1-related disorder. Also called: ANKRD1-related condition.

Submissions (5):

Labcorp Genetics (formerly Invitae), Labcorp
Classification: Likely benign for ANKRD1-related dilated cardiomyopathy. Last evaluated: 2026-02-01. Review status: criteria provided, single submitter. Criteria: Invitae Variant Classification Sherloc (09022015). Collection method: clinical testing. Allele origin: germline.

Blueprint Genetics
Classification: Likely benign. Last evaluated: 2024-11-25. Review status: criteria provided, single submitter. Criteria: ACMG Guidelines, 2015. Collection method: clinical testing. Allele origin: germline.

Women's Health and Genetics/Laboratory Corporation of America, LabCorp
Classification: Benign. Last evaluated: 2023-11-13. Review status: criteria provided, single submitter. Criteria: LabCorp Variant Classification Summary - May 2015. Collection method: clinical testing. Allele origin: germline.
Comment: Variant summary: ANKRD1 c.346-25_346-20dupATATAT alters a nucleotide located at a position not widely known to affect splicing. Consensus agreement among computation tools predict no significant impact on normal splicing. However, these predictions have yet to be confirmed by functional studies. The variant allele was found at a frequency of 0.00021 in 199708 control chromosomes (gnomAD). The observed variant frequency is approximately 8.2 fold of the estimated maximal expected allele frequency for a pathogenic variant in ANKRD1 causing Cardiomyopathy phenotype (2.5e-05), strongly suggesting that the variant is benign. To our knowledge, no occurrence of c.346-25_346-20dupATATAT in individuals affected with Cardiomyopathy and no experimental evidence demonstrating its impact on protein function have been reported. Two submitters have reported clinical-significance assessments for this variant to ClinVar after 2014. All submitters classified the variant as benign/likely benign. Based on the evidence outlined above, the variant was classified as benign.

GeneDx
Classification: Likely benign. Last evaluated: 2019-08-15. Review status: criteria provided, single submitter. Criteria: GeneDx Variant Classification Process June 2021. Collection method: clinical testing. Allele origin: germline. Affected: yes.

PreventionGenetics, part of Exact Sciences
Classification: Likely benign for ANKRD1-related condition. Last evaluated: 2021-05-05. Review status: no assertion criteria provided. Collection method: clinical testing. Allele origin: germline. Not counted in ClinVar's aggregate classification.
Comment: This variant is classified as likely benign based on ACMG/AMP sequence variant interpretation guidelines (Richards et al. 2015 PMID: 25741868, with internal and published modifications).

NM_014391.3(ANKRD1):c.346-43AT[15]

Gene: ANKRD1 (ankyrin repeat domain 1; minus strand). Cytogenetic location: 10q23.31.
Variant type: Microsatellite.
Coding change: c.346-43AT[15] on transcript NM_014391.3 (MANE Select); 15 copies in a row of the 2-base unit AT starting at c.346-43; the reference has 12 copies in a row; three copies, 6 bases duplicated.
Molecular consequence: intron variant.
Genome position (GRCh38, 1-based): chr10:90,918,992-90,918,997, ATATAT duplicated on the plus strand (ATATAT on the coding strand, the reverse complement: ANKRD1 is on the minus strand); duplicating any 6 consecutive bases within chr10:90,918,992-90,919,016 gives the same sequence; the position shown is the placement nearest the transcript's 3' end. VCF-style (leftmost placement, unchanged base first): chr10-90918991-A-AATATAT. GRCh37 (hg19) VCF-style: chr10-92678748-A-AATATAT.
Other names: c.346-25_346-20dupATATAT (NM_014391.3); c.346-25_346-20dup6 (NM_014391.2).
Identifiers: ClinVar variation 1190357 (VCV001190357.14), dbSNP rs60406118, ClinGen allele CA5598765.